The following is an entry in ClinVar:

NM_000179.3(MSH6):c.3513T>C (p.Asp1171=)

Gene: MSH6 (mutS homolog 6; plus strand). Cytogenetic location: 2p16.3.
Variant type: single nucleotide variant.
Coding change: c.3513T>C on transcript NM_000179.3 (MANE Select); coding-DNA position 3513, T replaced by C.
Protein change: p.Asp1171=; no amino-acid change (aspartic acid 1171 retained).
Molecular consequence: synonymous variant.
Genome position (GRCh38, 1-based): chr2:47,804,984, T>C. VCF-style: chr2-47804984-T-C. GRCh37 (hg19) VCF-style: chr2-48032123-T-C.
Other names: c.3123T>C, p.Asp1041= (NM_001281492.2); c.2607T>C, p.Asp869= (NM_001281493.2, NM_001281494.2).
Identifiers: ClinVar variation 89402 (VCV000089402.35), dbSNP rs63749834, ClinGen allele CA013188.

ClinVar aggregate classification (germline): Conflicting classifications of pathogenicity. Review status: criteria provided, conflicting classifications (1 of 4 stars). 15 submissions from 15 submitters: Uncertain significance (1); Benign (2); Likely benign (10). 2 of the submissions do not count toward it. Last evaluated 2026-02-03.

Conditions:
Endometrial carcinoma. Also called: Endometrial carcinoma, somatic. Identifiers: MedGen C0476089, MONDO:0002447, OMIM 608089, HP:0012114.
Mismatch repair cancer syndrome 3. Identifiers: MedGen C5436807, MONDO:0030841, OMIM 619097.
Lynch syndrome 5 (LYNCH5). Also called: Colorectal cancer, hereditary nonpolyposis, type 5; Hereditary non-polyposis colorectal cancer, type 5. Identifiers: Orphanet 144, MedGen C1833477, MONDO:0013710, OMIM 614350. Disease mechanism: loss of function.
Lynch syndrome. Identifiers: Orphanet 144, MedGen C4552100, MONDO:0005835. Disease mechanism: loss of function.
Hereditary cancer-predisposing syndrome. Also called: Neoplastic Syndromes, Hereditary; Hereditary Cancer Syndrome; Tumor predisposition; Hereditary neoplastic syndrome. Identifiers: Orphanet 140162, MedGen C0027672, MeSH D009386, MONDO:0015356.
MSH6-related disorder. Also called: MSH6-Related disorders; MSH6-related condition.
Hereditary nonpolyposis colorectal neoplasms. Identifiers: MedGen C0009405, MeSH D003123.

Allele frequency attached by ClinVar (database versions not stated): ExAC 0.00002; gnomAD exomes 0.00003 and 0.00005; gnomAD 0.00005; TOPMed 0.00005; 1000 Genomes Project 0.00020; 1000 Genomes Project 30x 0.00031.

Submissions (15):

Labcorp Genetics (formerly Invitae), Labcorp
Classification: Likely benign for Hereditary nonpolyposis colorectal neoplasms. Last evaluated: 2026-02-03. Review status: criteria provided, single submitter. Criteria: Invitae Variant Classification Sherloc (09022015). Collection method: clinical testing. Allele origin: germline.

Quest Diagnostics Nichols Institute San Juan Capistrano
Classification: Likely benign. Last evaluated: 2025-03-10. Review status: criteria provided, single submitter. Criteria: Quest Diagnostics criteria. Collection method: clinical testing. Allele origin: unknown.

Department of Pathology and Laboratory Medicine, Sinai Health System
Classification: Likely benign for Endometrial carcinoma; Lynch syndrome 5; Mismatch repair cancer syndrome 3. Last evaluated: 2024-08-08. Review status: criteria provided, single submitter. Criteria: ACMG Guidelines, 2015. Collection method: clinical testing. Allele origin: germline.

Blueprint Genetics
Classification: Likely benign. Last evaluated: 2024-06-13. Review status: criteria provided, single submitter. Criteria: ACMG Guidelines, 2015. Collection method: clinical testing. Allele origin: germline.

All of Us Research Program, National Institutes of Health
Classification: Likely benign for Lynch syndrome. Last evaluated: 2024-02-05. Review status: criteria provided, single submitter. Criteria: ACMG Guidelines, 2015. Collection method: clinical testing. Allele origin: germline. Inheritance: Autosomal dominant inheritance. Observed: 14 variant alleles, 14 heterozygotes.
Comment: This study involves interpretation of variants in research participants for the purpose of population health screening. Participant phenotype was not available at the time of variant classification. Additional details can be found in publication PMID: 35346344, PMCID: PMC8962531

Myriad Genetics, Inc.
Classification: Benign for Lynch syndrome 5. Last evaluated: 2023-03-29. Review status: criteria provided, single submitter. Criteria: Myriad Autosomal Dominant, Autosomal Recessive and X-Linked Classification Criteria (2023). Collection method: clinical testing. Allele origin: unknown.
Comment: This variant is considered benign. This variant is a silent/synonymous amino acid change and it is not expected to impact splicing.

Women's Health and Genetics/Laboratory Corporation of America, LabCorp
Classification: Likely benign. Last evaluated: 2021-06-01. Review status: criteria provided, single submitter. Criteria: LabCorp Variant Classification Summary - May 2015. Collection method: clinical testing. Allele origin: germline.

Sema4
Classification: Likely benign for Hereditary cancer-predisposing syndrome. Last evaluated: 2020-10-02. Review status: criteria provided, single submitter. Criteria: Sema4 Curation Guidelines. Collection method: curation. Allele origin: germline.

Mendelics
Classification: Likely benign for Lynch syndrome 5. Last evaluated: 2019-05-28. Review status: criteria provided, single submitter. Criteria: Mendelics Assertion Criteria 2017. Collection method: clinical testing. Allele origin: unknown.

Illumina Laboratory Services, Illumina
Classification: Uncertain significance for Lynch syndrome 5. Last evaluated: 2018-02-02. Review status: criteria provided, single submitter. Criteria: ICSL Variant Classification Criteria 13 December 2019. Collection method: clinical testing. Allele origin: germline.

GeneDx
Classification: Benign. Last evaluated: 2015-08-04. Review status: criteria provided, single submitter. Criteria: GeneDx Variant Classification (06012015). Collection method: clinical testing. Allele origin: germline. Affected: yes.
Comment: This variant is considered likely benign or benign based on one or more of the following criteria: it is a conservative change, it occurs at a poorly conserved position in the protein, it is predicted to be benign by multiple in silico algorithms, and/or has population frequency not consistent with disease.

Color Diagnostics, LLC DBA Color Health
Classification: Likely benign for Hereditary cancer-predisposing syndrome. Last evaluated: 2015-05-18. Review status: criteria provided, single submitter. Criteria: ACMG Guidelines, 2015. Collection method: clinical testing. Allele origin: germline.

Ambry Genetics
Classification: Likely benign for Hereditary cancer-predisposing syndrome. Last evaluated: 2014-08-11. Review status: criteria provided, single submitter. Criteria: Ambry Variant Classification Scheme 2023. Collection method: clinical testing. Allele origin: germline.

PreventionGenetics, part of Exact Sciences
Classification: Likely benign for MSH6-related condition. Last evaluated: 2020-09-03. Review status: no assertion criteria provided. Collection method: clinical testing. Allele origin: germline. Not counted in ClinVar's aggregate classification.
Comment: This variant is classified as likely benign based on ACMG/AMP sequence variant interpretation guidelines (Richards et al. 2015 PMID: 25741868, with internal and published modifications).

Counsyl
Classification: Likely benign for Lynch syndrome 5. Last evaluated: 2017-02-03. Review status: no assertion criteria provided. Collection method: clinical testing. Allele origin: unknown. Not counted in ClinVar's aggregate classification.

Literature cited by the submitters: PubMed 16237223 (cited by Quest Diagnostics Nichols Institute San Juan Capistrano and Counsyl).